The following is an entry in ClinVar:

NM_000548.5(TSC2):c.3552G>A (p.Ala1184=)

Gene: TSC2 (TSC complex subunit 2; plus strand). Cytogenetic location: 16p13.3.
Variant type: single nucleotide variant.
Coding change: c.3552G>A on transcript NM_000548.5 (MANE Select); coding-DNA position 3552, G replaced by A.
Protein change: p.Ala1184=; no amino-acid change (alanine 1184 retained).
Molecular consequence: synonymous variant.
Genome position (GRCh38, 1-based): chr16:2,080,319, G>A. VCF-style: chr16-2080319-G-A. GRCh37 (hg19) VCF-style: chr16-2130320-G-A.
Other names: c.3420G>A, p.Ala1140= (NM_001077183.3, NM_001370404.1); c.3552G>A, p.Ala1184= (NM_001114382.3); c.3312G>A, p.Ala1104= (NM_001318827.2); c.3276G>A, p.Ala1092= (NM_001318829.2); c.2820G>A, p.Ala940= (NM_001318831.2); c.3453G>A, p.Ala1151= (NM_001318832.2); c.3423G>A, p.Ala1141= (NM_001363528.2, NM_001370405.1, NM_021055.3).
Identifiers: ClinVar variation 238021 (VCV000238021.47), dbSNP rs549427685, ClinGen allele CA047428.

ClinVar aggregate classification (germline): Benign/Likely benign. Review status: criteria provided, multiple submitters, no conflicts (2 of 4 stars). 8 submissions from 8 submitters: Benign (5); Likely benign (3). Last evaluated 2026-01-05.

Conditions:
Hereditary cancer-predisposing syndrome. Also called: Tumor predisposition; Hereditary Cancer Syndrome; Neoplastic Syndromes, Hereditary; Hereditary neoplastic syndrome. Identifiers: Orphanet 140162, MedGen C0027672, MeSH D009386, MONDO:0015356.
Tuberous sclerosis syndrome (TSC). Also called: Tuberous Sclerosis Complex; Tuberous sclerosis. Identifiers: Orphanet 805, MedGen C0041341, MONDO:0001734.
Tuberous sclerosis 2 (TSC2). Identifiers: Orphanet 805, MedGen C1860707, MONDO:0013199, OMIM 613254.

Allele frequency attached by ClinVar (database versions not stated): gnomAD 0.00003 and 0.00007; TOPMed 0.00006; gnomAD exomes 0.00012 and 0.00022; 1000 Genomes Project 30x 0.00016; 1000 Genomes Project 0.00020; ExAC 0.00021.
gnomAD v4.1: 177 of 1,612,782 alleles (0.011%); highest among the groups gnomAD compares: South Asian, 0.15%; 1 homozygote.

Submissions (8):

Labcorp Genetics (formerly Invitae), Labcorp
Classification: Benign for Tuberous sclerosis 2. Last evaluated: 2026-01-05. Review status: criteria provided, single submitter. Criteria: Invitae Variant Classification Sherloc (09022015). Collection method: clinical testing. Allele origin: germline.

CeGaT Center for Human Genetics Tuebingen
Classification: Likely benign. Last evaluated: 2026-01-01. Review status: criteria provided, single submitter. Criteria: CeGaT Center For Human Genetics Tuebingen Variant Classification Criteria Version 2. Collection method: clinical testing. Allele origin: germline. Affected: yes. Observed: 4 variant alleles.
Comment: TSC2: BP4, BP7, BS1

Myriad Genetics, Inc.
Classification: Benign for Tuberous sclerosis 2. Last evaluated: 2025-05-29. Review status: criteria provided, single submitter. Criteria: Myriad Autosomal Dominant, Autosomal Recessive and X-Linked Classification Criteria (2023). Collection method: clinical testing. Allele origin: unknown.
Comment: This variant is considered benign. This variant is a silent/synonymous amino acid change and it is not expected to impact splicing.

Blueprint Genetics
Classification: Likely benign. Last evaluated: 2024-11-11. Review status: criteria provided, single submitter. Criteria: ACMG Guidelines, 2015. Collection method: clinical testing. Allele origin: germline.

Color Diagnostics, LLC DBA Color Health
Classification: Benign for Tuberous sclerosis syndrome. Last evaluated: 2022-10-02. Review status: criteria provided, single submitter. Criteria: ACMG Guidelines, 2015. Collection method: clinical testing. Allele origin: germline.

Genome-Nilou Lab
Classification: Benign for Tuberous sclerosis 2. Last evaluated: 2021-11-07. Review status: criteria provided, single submitter. Criteria: ACMG Guidelines, 2015. Collection method: clinical testing. Allele origin: germline. Affected: no.

GeneDx
Classification: Benign. Last evaluated: 2020-01-06. Review status: criteria provided, single submitter. Criteria: GeneDx Variant Classification Process June 2021. Collection method: clinical testing. Allele origin: germline. Affected: yes.

Ambry Genetics
Classification: Likely benign for Hereditary cancer-predisposing syndrome. Last evaluated: 2015-05-03. Review status: criteria provided, single submitter. Criteria: Ambry Variant Classification Scheme 2023. Collection method: clinical testing. Allele origin: germline.